The following is an entry in ClinVar:

NM_007294.4(BRCA1):c.3500A>G (p.Glu1167Gly)

Genes: BRCA1 (BRCA1 DNA repair associated; minus strand), LOC126862571 (BRD4-independent group 4 enhancer GRCh37_chr17:41243136-41244335; plus strand). Cytogenetic location: 17q21.31.
Variant type: single nucleotide variant.
Coding change: c.3500A>G on transcript NM_007294.4 (MANE Select); coding-DNA position 3500, A replaced by G.
Protein change: p.Glu1167Gly; replaces glutamic acid 1167 with glycine.
Molecular consequence: missense variant. On other transcripts: intron variant (135).
Genome position (GRCh38, 1-based): chr17:43,092,031, T>C on the plus strand (A>G on the coding strand, the complement: BRCA1 is on the minus strand). VCF-style: chr17-43092031-T-C. GRCh37 (hg19) VCF-style: chr17-41244048-T-C.
Other names: c.3287A>G, p.Glu1096Gly (NM_001407571.1, NM_001407853.1, NM_001407894.1 and 9 more transcripts); c.3500A>G, p.Glu1167Gly (NM_001407581.1, NM_001407582.1, NM_001407583.1 and 30 more transcripts); c.3497A>G, p.Glu1166Gly (NM_001407587.1, NM_001407590.1, NM_001407591.1 and 22 more transcripts); c.3491A>G, p.Glu1164Gly (NM_001407646.1, NM_001407647.1); c.3377A>G, p.Glu1126Gly (NM_001407648.1, NM_001407664.1, NM_001407665.1 and 19 more transcripts); c.3374A>G, p.Glu1125Gly (NM_001407649.1, NM_001407670.1, NM_001407671.1 and 11 more transcripts); c.3422A>G, p.Glu1141Gly (NM_001407653.1, NM_001407654.1, NM_001407655.1 and 4 more transcripts); c.3419A>G, p.Glu1140Gly (NM_001407659.1, NM_001407660.1, NM_001407661.1 and 1 more transcripts); and 41 more; short protein forms E1120G, E1167G, E1079G, E1100G, E1119G, E1055G, E1056G, E1078G.
Identifiers: ClinVar variation 1472998 (VCV001472998.14), dbSNP rs2154308012, ClinGen allele CA10594974.

ClinVar aggregate classification (germline): Conflicting classifications of pathogenicity. Review status: criteria provided, conflicting classifications (1 of 4 stars). 3 submissions from 3 submitters: Uncertain significance (2); Likely benign (1). Last evaluated 2024-05-17.

Conditions:
Hereditary cancer-predisposing syndrome. Also called: Neoplastic Syndromes, Hereditary; Hereditary Cancer Syndrome; Tumor predisposition; Hereditary neoplastic syndrome. Identifiers: Orphanet 140162, MedGen C0027672, MeSH D009386, MONDO:0015356.
Hereditary breast ovarian cancer syndrome. Also called: Breast and ovarian cancer; Hereditary breast and ovarian cancer; Hereditary breast and ovarian cancer syndrome; Hereditary breast and ovarian cancer syndrome (HBOC); BRCA1- and BRCA2-Associated Hereditary Breast and Ovarian Cancer; Hereditary breast and/or ovarian cancer syndrome. Identifiers: Orphanet 145, MedGen C0677776, MeSH D061325, MONDO:0003582. Disease mechanism: loss of function.

Submissions (3):

Ambry Genetics
Classification: Uncertain significance for Hereditary cancer-predisposing syndrome. Last evaluated: 2024-05-17. Review status: criteria provided, single submitter. Criteria: Ambry Variant Classification Scheme 2023. Collection method: clinical testing. Allele origin: germline.
Comment: The p.E1167G variant (also known as c.3500A>G), located in coding exon 9 of the BRCA1 gene, results from an A to G substitution at nucleotide position 3500. The glutamic acid at codon 1167 is replaced by glycine, an amino acid with similar properties. This amino acid position is not well conserved in available vertebrate species. In addition, the in silico prediction for this alteration is inconclusive. Based on the available evidence, the clinical significance of this variant remains unclear.

University of Washington Department of Laboratory Medicine, University of Washington
Classification: Likely benign for Hereditary cancer-predisposing syndrome. Last evaluated: 2023-03-23. Review status: criteria provided, single submitter. Criteria: Dines et al. (Genet Med. 2020). Collection method: curation. Allele origin: germline.
Comment: Missense variant in a coldspot region where missense variants are very unlikely to be pathogenic (PMID:31911673).

BRCA1 coldspot (exon 11 using historical exon numbering). Reclassification based on statistical prior probability

Labcorp Genetics (formerly Invitae), Labcorp
Classification: Uncertain significance for Hereditary breast ovarian cancer syndrome. Last evaluated: 2020-12-06. Review status: criteria provided, single submitter. Criteria: Invitae Variant Classification Sherloc (09022015). Collection method: clinical testing. Allele origin: germline.
Comment: In summary, the available evidence is currently insufficient to determine the role of this variant in disease. Therefore, it has been classified as a Variant of Uncertain Significance. Advanced modeling of protein sequence and biophysical properties (such as structural, functional, and spatial information, amino acid conservation, physicochemical variation, residue mobility, and thermodynamic stability) performed at Invitae indicates that this missense variant is not expected to disrupt BRCA1 protein function. This sequence change replaces glutamic acid with glycine at codon 1167 of the BRCA1 protein (p.Glu1167Gly). The glutamic acid residue is moderately conserved and there is a moderate physicochemical difference between glutamic acid and glycine. This variant is not present in population databases (ExAC no frequency). This variant has not been reported in the literature in individuals with BRCA1-related conditions.